The following is an entry in ClinVar:

NM_000781.3(CYP11A1):c.31del (p.Val11fs)

Gene: CYP11A1 (cytochrome P450 family 11 subfamily A member 1; minus strand). Cytogenetic location: 15q24.1.
Variant type: Deletion.
Coding change: c.31del on transcript NM_000781.3 (MANE Select); coding-DNA position 31, one base deleted (G; older notation c.31delG).
Protein change: p.Val11fs; shifts the reading frame from valine 11.
Molecular consequence: frameshift variant.
Genome position (GRCh38, 1-based): chr15:74,367,555, C deleted on the plus strand (G on the coding strand, the reverse complement: CYP11A1 is on the minus strand). VCF-style (leftmost placement, unchanged base first): chr15-74367554-AC-A. GRCh37 (hg19) VCF-style: chr15-74659895-AC-A.
Other names: short protein forms V11fs.
Identifiers: ClinVar variation 3672122 (VCV003672122.1).

ClinVar aggregate classification (germline): Pathogenic (1 of 4 stars; one submission).

Submission:

Labcorp Genetics (formerly Invitae), Labcorp
Classification: Pathogenic. Last evaluated: 2023-09-03. Review status: criteria provided, single submitter. Criteria: Invitae Variant Classification Sherloc (09022015). Collection method: clinical testing. Allele origin: germline.
Comment: For these reasons, this variant has been classified as Pathogenic. This variant has not been reported in the literature in individuals affected with CYP11A1-related conditions. This variant is not present in population databases (gnomAD no frequency). This sequence change creates a premature translational stop signal (p.Val11Serfs*10) in the CYP11A1 gene. It is expected to result in an absent or disrupted protein product. Loss-of-function variants in CYP11A1 are known to be pathogenic (PMID: 15507506, 22435390, 27855232, 229968487).

Literature cited by the submitters: PubMed 15507506; PubMed 22435390; PubMed 27855232; PubMed 229968487.